The following is an entry in ClinVar:

NM_000552.5(VWF):c.3831_3833del (p.Asp1277_Leu1278delinsGlu)

Gene: VWF (von Willebrand factor; minus strand). Cytogenetic location: 12p13.31.
Variant type: Deletion.
Coding change: c.3831_3833del on transcript NM_000552.5 (MANE Select); coding-DNA positions 3831 to 3833, 3 bases deleted (CCT; older notation c.3831_3833delCCT).
Protein change: p.Asp1277_Leu1278delinsGlu.
Molecular consequence: inframe indel.
Genome position (GRCh38, 1-based): chr12:6,019,585-6,019,587, AGG deleted on the plus strand (CCT on the coding strand, the reverse complement: VWF is on the minus strand). VCF-style (leftmost placement, unchanged base first): chr12-6019584-CAGG-C. GRCh37 (hg19) VCF-style: chr12-6128750-CAGG-C.
Other names: NM_000552.5(VWF):c.3831_3833del; p.Asp1277_Leu1278delinsGlu; c.3831_3833delCCT (NM_000552.5).
Identifiers: ClinVar variation 100287 (VCV000100287.3), dbSNP rs61749375, ClinGen allele CA228457.

ClinVar aggregate classification (germline): Likely pathogenic. Review status: reviewed by expert panel (3 of 4 stars). 3 submissions from 3 submitters: Likely pathogenic (1). 2 of the submissions do not count toward it. Last evaluated 2025-02-04.

Conditions:
von Willebrand disease type 2 (VWD2). Also called: VON WILLEBRAND DISEASE, TYPE II; VWD, TYPE 2; VON WILLEBRAND DISEASE, TYPE 2A/IIE; VON WILLEBRAND DISEASE, TYPE 2CB. Identifiers: Orphanet 166081, Orphanet 903, MedGen C1264040, MONDO:0013304, OMIM 613554.

Submissions (3):

ClinGen von Willebrand Disease Variant Curation Expert Panel, ClinGen
Classification: Likely pathogenic for von Willebrand disease type 2. Last evaluated: 2025-02-04. Review status: reviewed by expert panel. Criteria: ClinGen VWD 2A B M Rules. Collection method: curation. Allele origin: germline. Inheritance: Autosomal dominant inheritance.
Comment: The NM_000552.5(VWF):c.3831_3833del (p.Asp1277_Leu1278delinsGlu) variant is predicted to cause a change in the length of the protein due to an in-frame loss of 1 amino acid in a non-repeat region (PM4). This variant is absent from gnomAD v4.1 (PM2_Supporting). At least 1 patient (P3F1II1) with this variant displayed excessive mucocutaneous bleeding as well as laboratory phenotypes of very low VWF activity (VWF:RCo 3 IU/dL), low activity/VWF:Ag ratio (0.17), and loss of high molecular weight multimers, which together are highly specific for VWD type 2A. (PP4_moderate, PMID: 16985174). Additional consistent phenotypes were also reported in the patient including FVIII activity consistent with VWF antigen (ratio >0.7). This variant has been reported in at least 1 additional proband meeting PP4 laboratory phenotype criteria (PS4_supporting; PMID: 37732159). The additional patient is reported as VWD type 2M and this variant can not be definitely classified as type 2A, type 2M or type 2A/2M at this time. In summary, this variant meets the criteria to be classified as Likely Pathogenic for autosomal dominant von Willebrand disease type 2 based on the ACMG/AMP criteria applied, as specified by the ClinGen VWD VCEP: PM4, PM2_supporting, PP4_moderate, PS4_supporting.

Angelo Bianchi Bonomi Hemophilia and Thrombosis Center, Fondazione IRCCS Ca Granda Ospedale Maggiore Policlinico
Classification: Likely pathogenic for von Willebrand disease type 2. Last evaluated: 2022-04-26. Review status: no assertion criteria provided. Collection method: clinical testing. Allele origin: germline. Affected: yes. Not counted in ClinVar's aggregate classification.

Academic Unit of Haematology, University of Sheffield
No classification provided. Review status: no classification provided. Collection method: not provided. Allele origin: not provided. Not counted in ClinVar's aggregate classification.